The following is an entry in ClinVar:

NM_001194.4(HCN2):c.151C>T (p.Pro51Ser)

Gene: HCN2 (hyperpolarization activated cyclic nucleotide gated potassium and sodium channel 2; plus strand). Cytogenetic location: 19p13.3.
Variant type: single nucleotide variant.
Coding change: c.151C>T on transcript NM_001194.4 (MANE Select); coding-DNA position 151, C replaced by T.
Protein change: p.Pro51Ser; replaces proline 51 with serine.
Molecular consequence: missense variant.
Genome position (GRCh38, 1-based): chr19:590,096, C>T. VCF-style: chr19-590096-C-T. GRCh37 (hg19) VCF-style: chr19-590096-C-T.
Other names: short protein forms P51S.
Identifiers: ClinVar variation 4535247 (VCV004535247.6).

ClinVar aggregate classification (germline): Uncertain significance (1 of 4 stars; one submission).

gnomAD v4.1: 2 of 728,248 alleles (0.00027%); highest among the groups gnomAD compares: Non-Finnish European, 0.00017%; no homozygotes.

Submission:

CeGaT Center for Human Genetics Tuebingen
Classification: Uncertain significance. Last evaluated: 2025-11-01. Review status: criteria provided, single submitter. Criteria: CeGaT Center For Human Genetics Tuebingen Variant Classification Criteria Version 2. Collection method: clinical testing. Allele origin: germline. Affected: yes. Observed: 1 variant allele.
Comment: HCN2: PM2